The following is an entry in ClinVar:

ClinVar aggregate classification (germline): Uncertain significance (1 of 4 stars; one submission).

Conditions:
Hereditary cancer-predisposing syndrome. Also called: Hereditary Cancer Syndrome; Tumor predisposition; Hereditary neoplastic syndrome; Neoplastic Syndromes, Hereditary. Identifiers: Orphanet 140162, MedGen C0027672, MeSH D009386, MONDO:0015356.
Cardiovascular phenotype. Identifiers: MedGen CN230736.

Submission:

Ambry Genetics
Classification: Uncertain significance for Cardiovascular phenotype; Hereditary cancer-predisposing syndrome. Last evaluated: 2024-09-08. Review status: criteria provided, single submitter. Criteria: Ambry Variant Classification Scheme 2023. Collection method: clinical testing. Allele origin: germline.
Comment: The p.K1735E variant (also known as c.5203A>G), located in coding exon 36 of the NF1 gene, results from an A to G substitution at nucleotide position 5203. The lysine at codon 1735 is replaced by glutamic acid, an amino acid with similar properties. This amino acid position is conserved. In addition, the in silico prediction for this alteration is inconclusive. Based on the available evidence, the clinical significance of this variant remains unclear.

NM_001042492.3(NF1):c.5266A>G (p.Lys1756Glu)

Gene: NF1 (neurofibromin 1; plus strand). Cytogenetic location: 17q11.2.
Variant type: single nucleotide variant.
Coding change: c.5266A>G on transcript NM_001042492.3 (MANE Select); coding-DNA position 5266, A replaced by G.
Protein change: p.Lys1756Glu; replaces lysine 1756 with glutamic acid.
Molecular consequence: missense variant.
Genome position (GRCh38, 1-based): chr17:31,326,250, A>G. VCF-style: chr17-31326250-A-G. GRCh37 (hg19) VCF-style: chr17-29653268-A-G.
Other names: c.5203A>G, p.Lys1735Glu (NM_000267.4); short protein forms K1756E, K1735E.
Identifiers: ClinVar variation 3404738 (VCV003404738.1).
Genomic context (GRCh38, chr17:31,326,250, plus strand): 5'-GACCTGAAGGTATTCCACAATGCTCTCAAGCTAGCTCACAAAGACACCAAAGTTTCTATT[A>G]AAGTAAGTTCCAGTCTGTGTTTTGTAAACGATTCATTGCTTTTCTTGACTAACTAGACTA-3'
Protein context (NP_001035957.1, residues 1746-1766): LAHKDTKVSI[Lys1756Glu]VGSTAVQVTS